The following is an entry in ClinVar:

ClinVar aggregate classification (germline): Likely benign (1 of 4 stars; one submission).

Allele frequency attached by ClinVar (database versions not stated): TOPMed below 0.00001; gnomAD 0.00001.
gnomAD v4.1: 2 of 1,613,800 alleles (0.00012%); highest among the groups gnomAD compares: Non-Finnish European, 0.00017%; no homozygotes.

Submission:

CeGaT Center for Human Genetics Tuebingen
Classification: Likely benign. Last evaluated: 2023-06-01. Review status: criteria provided, single submitter. Criteria: CeGaT Center For Human Genetics Tuebingen Variant Classification Criteria Version 2. Collection method: clinical testing. Allele origin: germline. Affected: yes. Observed: 1 variant allele.
Comment: MAGEL2: BP4, BP7

NM_019066.5(MAGEL2):c.3171G>A (p.Glu1057=)

Gene: MAGEL2 (MAGE family member L2; minus strand). Cytogenetic location: 15q11.2.
Variant type: single nucleotide variant.
Coding change: c.3171G>A on transcript NM_019066.5 (MANE Select); coding-DNA position 3171, G replaced by A.
Protein change: p.Glu1057=; no amino-acid change (glutamic acid 1057 retained).
Molecular consequence: synonymous variant.
Genome position (GRCh38, 1-based): chr15:23,644,572, C>T on the plus strand (G>A on the coding strand, the complement: MAGEL2 is on the minus strand). VCF-style: chr15-23644572-C-T. GRCh37 (hg19) VCF-style: chr15-23889719-C-T.
Identifiers: ClinVar variation 2644979 (VCV002644979.24), dbSNP rs1890348096, ClinGen allele CA489228582.